The following is an entry in ClinVar:

ClinVar aggregate classification (germline): Pathogenic. Review status: criteria provided, multiple submitters, no conflicts (2 of 4 stars). 6 submissions from 6 submitters: Pathogenic (5). 1 of the submissions does not count toward it. Last evaluated 2026-10-23.

Conditions:
Achromatopsia 3 (ACHM3). Also called: ACHROMATOPSIA WITH MYOPIA; PINGELAPESE BLINDNESS; TOTAL COLORBLINDNESS WITH MYOPIA; ROD MONOCHROMACY 1; ROD MONOCHROMATISM 1. Identifiers: Orphanet 49382, MedGen C1849792, MONDO:0009875, OMIM 262300.
CNGB3-related disorder. Also called: CNGB3-related disorders; CNGB3-related condition. Identifiers: MedGen CN239340.
Achromatopsia. Also called: Rod monochromatism. Identifiers: Orphanet 49382, MedGen C0152200, MONDO:0018852, HP:0011516.
Retinal dystrophy. Also called: Inherited retinal dystrophy. Identifiers: Orphanet 71862, MedGen C0854723, MeSH D058499, MONDO:0019118, HP:0000556.

Allele frequency attached by ClinVar (database versions not stated): gnomAD 0.00001 and 0.00002; TOPMed 0.00007.
gnomAD v4.1: 3 of 151,992 alleles (0.002%); highest among the groups gnomAD compares: Admixed American, 0.0066%; no homozygotes.

Submissions (6):

GeneDx
Classification: Pathogenic. Last evaluated: 2026-10-23. Review status: criteria provided, single submitter. Criteria: GeneDx Variant Classification Process June 2021. Collection method: clinical testing. Allele origin: germline.
Comment: Published mRNA analysis demonstrates presence of an aberrant splice product that includes a pseudoexon between exons 14 and 15, which is predicted to add 32 residues prior to the premature termination codon (PMID: 31544997); In silico analysis supports a deleterious effect on splicing; No data available from control populations to assess the frequency of this variant; This variant is associated with the following publications: (PMID: 38540785, 25741868, 10888875, Porto_2020_ABSTRACT, 33737949, 31544997, 34703197, 36516904, 40463445, 37798099)

PreventionGenetics, part of Exact Sciences
Classification: Pathogenic for CNGB3-related condition. Last evaluated: 2026-05-31. Review status: criteria provided, single submitter. Criteria: ACMG Guidelines, 2015. Collection method: clinical testing. Allele origin: germline.
Comment: The CNGB3 c.1663-1205G>A variant is predicted to interfere with splicing. This variant has been reported in the homozygous and compound heterozygous states in individuals with achromatopsia (Weisschuh et al. 2020. PubMed ID: 31544997; Qian et al. 2021. PubMed ID: 33737949; Table S2, Hayman et al. 2024. PubMed ID: 37798099). This deep intronic variant was demonstrated to result in aberrant splicing of the CNGB3 transcript, leading to insertion of a pseudoexon and premature termination codon (Weisschuh et al. 2020. PubMed ID: 31544997). This variant is absent in a large population database (gnomAD), indicating this variant is rare. This variant is interpreted as pathogenic.

Labcorp Genetics (formerly Invitae), Labcorp
Classification: Pathogenic. Last evaluated: 2026-01-26. Review status: criteria provided, single submitter. Criteria: Invitae Variant Classification Sherloc (09022015). Collection method: clinical testing. Allele origin: germline.
Comment: This sequence change falls in intron 14 of the CNGB3 gene. It does not directly change the encoded amino acid sequence of the CNGB3 protein. This variant is not present in population databases (gnomAD no frequency). This variant has been observed in individuals with CNGB3-related conditions (PMID: 31544997, 34703197). ClinVar contains an entry for this variant (Variation ID: 635822). Algorithms developed to predict the effect of sequence changes on RNA splicing suggest that this variant may create or strengthen a splice site. For these reasons, this variant has been classified as Pathogenic.

Institute of Human Genetics, Univ. Regensburg, Univ. Regensburg
Classification: Pathogenic for Retinal dystrophy. Last evaluated: 2022-01-01. Review status: criteria provided, single submitter. Criteria: ACMG Guidelines, 2015. Collection method: clinical testing. Allele origin: germline. Affected: yes.

Molecular Genetics Laboratory, Institute for Ophthalmic Research
Classification: Pathogenic for Achromatopsia. Last evaluated: 2019-04-01. Review status: criteria provided, single submitter. Criteria: ACMG Guidelines, 2015. Collection method: research. Allele origin: germline. Affected: yes.

Laboratory of Genetics in Ophthalmology, Institut Imagine
Classification: Pathogenic for Achromatopsia 3. Review status: no assertion criteria provided. Collection method: research. Allele origin: inherited. Affected: yes. Observed: 1 variant allele. Not counted in ClinVar's aggregate classification.

Literature cited by the submitters: PubMed 31544997 (cited by Labcorp Genetics (formerly Invitae), Labcorp and Institute of Human Genetics, Univ. Regensburg, Univ. Regensburg); PubMed 34703197 (cited by Labcorp Genetics (formerly Invitae), Labcorp and Institute of Human Genetics, Univ. Regensburg, Univ. Regensburg); PubMed 33737949 (cited by Institute of Human Genetics, Univ. Regensburg, Univ. Regensburg); PubMed 10888875 (cited by Laboratory of Genetics in Ophthalmology, Institut Imagine).

NM_019098.5(CNGB3):c.1663-1205G>A

Gene: CNGB3 (cyclic nucleotide gated channel subunit beta 3; minus strand). Cytogenetic location: 8q21.3.
Variant type: single nucleotide variant.
Coding change: c.1663-1205G>A on transcript NM_019098.5 (MANE Select); 1205 bases into the intron before coding-DNA position 1663, G replaced by A.
Molecular consequence: intron variant.
Genome position (GRCh38, 1-based): chr8:86,605,416, C>T on the plus strand (G>A on the coding strand, the complement: CNGB3 is on the minus strand). VCF-style: chr8-86605416-C-T. GRCh37 (hg19) VCF-style: chr8-87617644-C-T.
Identifiers: ClinVar variation 635822 (VCV000635822.11), dbSNP rs1000861056, ClinGen allele CA180349896.